The following is an entry in ClinVar:

ClinVar aggregate classification (germline): Uncertain significance (1 of 4 stars; one submission).

Submission:

CeGaT Center for Human Genetics Tuebingen
Classification: Uncertain significance. Last evaluated: 2026-08-01. Review status: criteria provided, single submitter. Criteria: CeGaT Center For Human Genetics Tuebingen Variant Classification Criteria Version 2. Collection method: clinical testing. Allele origin: germline. Affected: yes. Observed: 1 variant allele.
Comment: SCN2A: PM2

NM_001040142.2(SCN2A):c.1671+3A>G

Gene: SCN2A (sodium voltage-gated channel alpha subunit 2; plus strand). Cytogenetic location: 2q24.3.
Variant type: single nucleotide variant.
Coding change: c.1671+3A>G on transcript NM_001040142.2 (MANE Select); 3 bases into the intron after coding-DNA position 1671, A replaced by G.
Molecular consequence: intron variant.
Genome position (GRCh38, 1-based): chr2:165,315,761, A>G. VCF-style: chr2-165315761-A-G. GRCh37 (hg19) VCF-style: chr2-166172271-A-G.
Other names: c.1671+3A>G (NM_001040143.2, NM_001371246.1, NM_001371247.1 and 1 more transcripts).
Identifiers: ClinVar variation 5040728 (VCV005040728.1).